The following is an entry in ClinVar:

ClinVar aggregate classification (germline): Benign/Likely benign. Review status: criteria provided, multiple submitters, no conflicts (2 of 4 stars). 26 submissions from 26 submitters: Benign (8); Likely benign (10). 8 of the submissions do not count toward it. Last evaluated 2026-08-01.

Conditions:
Ovarian cancer. Also called: OVARIAN CANCER, SOMATIC. Identifiers: Orphanet 213500, MedGen C1140680, MONDO:0008170, OMIM 167000.
Familial cancer of breast. Also called: Hereditary breast cancer; hereditary breast carcinoma; BREAST CANCER, FAMILIAL. Identifiers: Orphanet 227535, MedGen C0346153, MONDO:0016419, OMIM 114480. Disease mechanism: loss of function.
CDH1-related disorder. Also called: CDH1-related condition.
Breast and/or ovarian cancer. Identifiers: MedGen CN221562.
Hereditary cancer-predisposing syndrome. Also called: Neoplastic Syndromes, Hereditary; Tumor predisposition; Hereditary neoplastic syndrome; Hereditary Cancer Syndrome. Identifiers: Orphanet 140162, MedGen C0027672, MeSH D009386, MONDO:0015356.
Hereditary diffuse gastric adenocarcinoma (HDGC). Also called: DIFFUSE GASTRIC AND LOBULAR BREAST CANCER SYNDROME. Identifiers: Orphanet 26106, MedGen C1708349, MONDO:0007648, OMIM 137215.

Allele frequency attached by ClinVar (database versions not stated): ExAC 0.00077; ESP Exome Variant Server 0.00077; gnomAD exomes 0.00083 and 0.00114; gnomAD 0.00124 and 0.00143; TOPMed 0.00165; 1000 Genomes Project 0.00180; 1000 Genomes Project 30x 0.00219.
gnomAD v4.1: 1,877 of 1,614,132 alleles (0.12%); highest among the groups gnomAD compares: Admixed American, 0.19%; 2 homozygotes.

Submissions (26):

CeGaT Center for Human Genetics Tuebingen
Classification: Likely benign. Last evaluated: 2026-08-01. Review status: criteria provided, single submitter. Criteria: CeGaT Center For Human Genetics Tuebingen Variant Classification Criteria Version 2. Collection method: clinical testing. Allele origin: germline. Affected: yes. Observed: 15 variant alleles.
Comment: CDH1: BP4, BP7, BS1

Labcorp Genetics (formerly Invitae), Labcorp
Classification: Benign for Hereditary diffuse gastric adenocarcinoma. Last evaluated: 2026-02-03. Review status: criteria provided, single submitter. Criteria: Invitae Variant Classification Sherloc (09022015). Collection method: clinical testing. Allele origin: germline.

Quest Diagnostics Nichols Institute San Juan Capistrano
Classification: Benign. Last evaluated: 2025-07-12. Review status: criteria provided, single submitter. Criteria: Quest Diagnostics criteria. Collection method: clinical testing. Allele origin: unknown.

Center for Genomic Medicine, Rigshospitalet, Copenhagen University Hospital
Classification: Likely benign. Last evaluated: 2025-03-04. Review status: criteria provided, single submitter. Criteria: ACMG Guidelines, 2015. Collection method: clinical testing. Allele origin: germline.

Blueprint Genetics
Classification: Likely benign. Last evaluated: 2024-10-31. Review status: criteria provided, single submitter. Criteria: ACMG Guidelines, 2015. Collection method: clinical testing. Allele origin: germline.

Myriad Genetics, Inc.
Classification: Benign for Hereditary diffuse gastric adenocarcinoma. Last evaluated: 2024-09-18. Review status: criteria provided, single submitter. Criteria: Myriad Autosomal Dominant, Autosomal Recessive and X-Linked Classification Criteria (2023). Collection method: clinical testing. Allele origin: unknown.
Comment: This variant is considered benign. This variant is a silent/synonymous amino acid change and it is not expected to impact splicing.

Department of Pathology and Laboratory Medicine, Sinai Health System
Classification: Likely benign for Familial cancer of breast; Ovarian cancer. Last evaluated: 2024-04-09. Review status: criteria provided, single submitter. Criteria: ACMG Guidelines, 2015. Collection method: clinical testing. Allele origin: germline. Affected: yes.

CHEO Genetics Diagnostic Laboratory, Children's Hospital of Eastern Ontario
Classification: Likely benign for Breast and/or ovarian cancer. Last evaluated: 2023-03-09. Review status: criteria provided, single submitter. Criteria: ACMG Guidelines, 2015. Collection method: clinical testing. Allele origin: germline.

ARUP Laboratories, Molecular Genetics and Genomics, ARUP Laboratories
Classification: Benign. Last evaluated: 2022-11-28. Review status: criteria provided, single submitter. Criteria: ARUP Molecular Germline Variant Investigation Process 2021. Collection method: clinical testing. Allele origin: germline.

European Reference Network on Genetic Tumour Risk Syndromes (ERN-GENTURIS), i3s - Instituto de Investigação e Inovação em Saúde, University of Porto
Classification: Likely benign for Hereditary diffuse gastric adenocarcinoma. Last evaluated: 2022-08-01. Review status: criteria provided, single submitter. Criteria: Lee et al. (Hum Mutat. 2018). Collection method: clinical testing. Allele origin: germline. Inheritance: Autosomal dominant inheritance. Affected: yes. Study: ERN GENTURIS.
Comment: BS1; BS2_Supporting (PMID: 30311375)

Genetic Services Laboratory, University of Chicago
Classification: Likely benign. Last evaluated: 2022-01-04. Review status: criteria provided, single submitter. Criteria: ACMG Guidelines, 2015. Collection method: clinical testing. Allele origin: germline. Affected: no.

Institute for Clinical Genetics, University Hospital TU Dresden, University Hospital TU Dresden
Classification: Likely benign. Last evaluated: 2021-11-03. Review status: criteria provided, single submitter. Criteria: ACMG Guidelines, 2015. Collection method: clinical testing. Allele origin: germline.

Sema4
Classification: Benign for Hereditary cancer-predisposing syndrome. Last evaluated: 2021-01-09. Review status: criteria provided, single submitter. Criteria: Sema4 Curation Guidelines. Collection method: curation. Allele origin: germline.

Ambry Genetics
Classification: Benign for Hereditary cancer-predisposing syndrome. Last evaluated: 2019-10-07. Review status: criteria provided, single submitter. Criteria: Ambry Variant Classification Scheme 2023. Collection method: clinical testing. Allele origin: germline.

Women's Health and Genetics/Laboratory Corporation of America, LabCorp
Classification: Benign. Last evaluated: 2016-06-20. Review status: criteria provided, single submitter. Criteria: LabCorp Variant Classification Summary - May 2015. Collection method: clinical testing. Allele origin: germline.
Comment: Variant summary: The CDH1 c.1272C>T (p.Val424Val) variant causes a synonymous change involving a non-conserved nucleotide with 5/5 splice prediction tools predicting no significant effect on splicing, although these predictions have yet to be functionally assessed. The variant of interest was observed in the large, broad control population, ExAC, with an allele frequency of 94/121412 (1/1292), which significantly exceeds the estimated maximal expected allele frequency for a pathogenic CDH1 variant of 1/35336 (0.0000283), suggesting this variant is likely a benign polymorphism. Mulitple reputable clinical laboratories cite the variant as "likely benign/benign." Therefore, taking all available lines of evidence into consideration and based on the high allele frequency in the general population, the variant of interest has been classified as Benign.

Color Diagnostics, LLC DBA Color Health
Classification: Likely benign for Hereditary cancer-predisposing syndrome. Last evaluated: 2015-10-19. Review status: criteria provided, single submitter. Criteria: ACMG Guidelines, 2015. Collection method: clinical testing. Allele origin: germline.

GeneDx
Classification: Benign. Last evaluated: 2014-01-13. Review status: criteria provided, single submitter. Criteria: GeneDx Variant Classification (06012015). Collection method: clinical testing. Allele origin: germline. Affected: yes.
Comment: This variant is considered likely benign or benign based on one or more of the following criteria: it is a conservative change, it occurs at a poorly conserved position in the protein, it is predicted to be benign by multiple in silico algorithms, and/or has population frequency not consistent with disease.

Breakthrough Genomics
Classification: Likely benign. Review status: criteria provided, single submitter. Criteria: ACMG Guidelines, 2015. Collection method: not provided. Allele origin: germline. Inheritance: Autosomal dominant inheritance. Affected: yes.

PreventionGenetics, part of Exact Sciences
Classification: Benign for CDH1-related condition. Last evaluated: 2020-08-08. Review status: no assertion criteria provided. Collection method: clinical testing. Allele origin: germline. Not counted in ClinVar's aggregate classification.
Comment: This variant is classified as benign based on ACMG/AMP sequence variant interpretation guidelines (Richards et al. 2015 PMID: 25741868, with internal and published modifications).

True Health Diagnostics
Classification: Likely benign for Hereditary cancer-predisposing syndrome. Last evaluated: 2017-10-11. Review status: no assertion criteria provided. Collection method: clinical testing. Allele origin: germline. Not counted in ClinVar's aggregate classification.

Clinical Genetics DNA and cytogenetics Diagnostics Lab, Erasmus MC, Erasmus Medical Center
Classification: Benign. Review status: no assertion criteria provided. Collection method: clinical testing. Allele origin: germline. Affected: yes. Study: VKGL Data-share Consensus. Not counted in ClinVar's aggregate classification.

Clinical Genetics, Academic Medical Center
Classification: Benign. Review status: no assertion criteria provided. Collection method: clinical testing. Allele origin: germline. Affected: yes. Study: VKGL Data-share Consensus. Not counted in ClinVar's aggregate classification.

Diagnostic Laboratory, Department of Genetics, University Medical Center Groningen
Classification: Likely benign. Review status: no assertion criteria provided. Collection method: clinical testing. Allele origin: germline. Affected: yes. Study: VKGL Data-share Consensus. Not counted in ClinVar's aggregate classification.

Genome Diagnostics Laboratory, Amsterdam University Medical Center
Classification: Benign. Review status: no assertion criteria provided. Collection method: clinical testing. Allele origin: germline. Affected: yes. Study: VKGL Data-share Consensus. Not counted in ClinVar's aggregate classification.

Joint Genome Diagnostic Labs from Nijmegen and Maastricht, Radboudumc and MUMC+
Classification: Benign. Review status: no assertion criteria provided. Collection method: clinical testing. Allele origin: germline. Affected: yes. Study: VKGL Data-share Consensus. Not counted in ClinVar's aggregate classification.

Mayo Clinic Laboratories, Mayo Clinic
Classification: Likely benign. Review status: no assertion criteria provided. Collection method: clinical testing. Allele origin: unknown. Not counted in ClinVar's aggregate classification.

Literature cited by the submitters: PubMed 26072394 (cited by 3 submitters); PubMed 30287823 (cited by Quest Diagnostics Nichols Institute San Juan Capistrano); PubMed 15750927 (cited by 3 submitters); PubMed 26123647 (cited by Quest Diagnostics Nichols Institute San Juan Capistrano and Department of Pathology and Laboratory Medicine, Sinai Health System); PubMed 31600923 (cited by Quest Diagnostics Nichols Institute San Juan Capistrano); PubMed 36436516 (cited by European Reference Network on Genetic Tumour Risk Syndromes (ERN-GENTURIS), i3s - Instituto de Investigação e Inovação em Saúde, University of Porto).

NM_004360.5(CDH1):c.1272C>T (p.Val424=)

Gene: CDH1 (cadherin 1; plus strand). Cytogenetic location: 16q22.1.
Variant type: single nucleotide variant.
Coding change: c.1272C>T on transcript NM_004360.5 (MANE Select); coding-DNA position 1272, C replaced by T.
Protein change: p.Val424=; no amino-acid change (valine 424 retained).
Molecular consequence: synonymous variant. On other transcripts: 5 prime UTR variant (2), intron variant (1).
Genome position (GRCh38, 1-based): chr16:68,813,447, C>T. VCF-style: chr16-68813447-C-T. GRCh37 (hg19) VCF-style: chr16-68847350-C-T.
Other names: p.V424V:GTC>GTT; c.1272C>T (LRG_301t1); c.-344C>T (NM_001317185.2); c.-548C>T (NM_001317186.2); c.1137+1184C>T (NM_001317184.2).
Identifiers: ClinVar variation 136695 (VCV000136695.97), dbSNP rs61756284, ClinGen allele CA290006.